The following is an entry in ClinVar:

ClinVar aggregate classification (germline): Uncertain significance (1 of 4 stars; one submission).

Allele frequency attached by ClinVar (database versions not stated): TOPMed below 0.00001.

Submission:

GeneDx
Classification: Uncertain significance. Last evaluated: 2020-06-30. Review status: criteria provided, single submitter. Criteria: GeneDx Variant Classification Process June 2021. Collection method: clinical testing. Allele origin: germline. Affected: yes.
Comment: Not observed in large population cohorts (Lek et al., 2016); In silico analysis supports that this missense variant has a deleterious effect on protein structure/function; Has not been previously published as pathogenic or benign to our knowledge

NM_005006.7(NDUFS1):c.177G>C (p.Gln59His)

Gene: NDUFS1 (NADH:ubiquinone oxidoreductase core subunit S1; minus strand). Cytogenetic location: 2q33.3.
Variant type: single nucleotide variant.
Coding change: c.177G>C on transcript NM_005006.7 (MANE Select); coding-DNA position 177, G replaced by C.
Protein change: p.Gln59His; replaces glutamine 59 with histidine.
Molecular consequence: missense variant. On other transcripts: intron variant (2).
Genome position (GRCh38, 1-based): chr2:206,149,902, C>G on the plus strand (G>C on the coding strand, the complement: NDUFS1 is on the minus strand). VCF-style: chr2-206149902-C-G. GRCh37 (hg19) VCF-style: chr2-207014626-C-G.
Other names: c.6G>C, p.Gln2His (NM_001199983.2); c.219G>C, p.Gln73His (NM_001199984.2); c.6-2068G>C (NM_001199982.2); c.154-806G>C (NM_001199981.2); short protein forms Q2H, Q59H, Q73H.
Identifiers: ClinVar variation 1302908 (VCV001302908.2), dbSNP rs1692301816, ClinGen allele CA350064287.